The following is an entry in ClinVar:

NM_001363711.2(DUOX2):c.1196C>T (p.Ser399Leu)

Gene: DUOX2 (dual oxidase 2; minus strand). Cytogenetic location: 15q21.1.
Variant type: single nucleotide variant.
Coding change: c.1196C>T on transcript NM_001363711.2 (MANE Select); coding-DNA position 1196, C replaced by T.
Protein change: p.Ser399Leu; replaces serine 399 with leucine.
Molecular consequence: missense variant.
Genome position (GRCh38, 1-based): chr15:45,109,562, G>A on the plus strand (C>T on the coding strand, the complement: DUOX2 is on the minus strand). VCF-style: chr15-45109562-G-A. GRCh37 (hg19) VCF-style: chr15-45401760-G-A.
Other names: c.1196C>T, p.Ser399Leu (NM_014080.5); c.1196C>T (NM_014080.4); short protein forms S399L.
Identifiers: ClinVar variation 1518662 (VCV001518662.10), dbSNP rs147435713, ClinGen allele CA7538702.
Genomic context (GRCh38, chr15:45,109,562, plus strand): 5'-CCCCTTCTGGCTCTGAGCTCACCCCTCAGATCTTCAACCACTATGTTGTCCTCCAACTCC[G>A]AAATCTGGGAGGCCATTCCCAGCAGCAGCTCATTCACCTCCTGGGTACTGTTCAGATTGG-3'
Protein context (NP_001350640.1, residues 389-409): ELLLGMASQI[Ser399Leu]ELEDNIVVED

ClinVar aggregate classification (germline): Conflicting classifications of pathogenicity. Review status: criteria provided, conflicting classifications (1 of 4 stars). 4 submissions from 4 submitters: Uncertain significance (1); Likely benign (2). 1 of the submissions does not count toward it. Last evaluated 2026-01-24.

Conditions:
DUOX2-related disorder. Also called: DUOX2-related condition.
Inborn genetic diseases. Identifiers: MedGen C0950123, MeSH D030342.

Allele frequency attached by ClinVar (database versions not stated): gnomAD exomes 0.00009 and 0.00029; gnomAD 0.00018 and 0.00020; 1000 Genomes Project 0.00020; ExAC 0.00021; TOPMed 0.00022; ESP Exome Variant Server 0.00023; 1000 Genomes Project 30x 0.00031.
gnomAD v4.1: 153 of 1,614,050 alleles (0.0095%); highest among the groups gnomAD compares: Admixed American, 0.13%; no homozygotes.

Submissions (4):

Labcorp Genetics (formerly Invitae), Labcorp
Classification: Likely benign. Last evaluated: 2026-01-24. Review status: criteria provided, single submitter. Criteria: Invitae Variant Classification Sherloc (09022015). Collection method: clinical testing. Allele origin: germline.

GeneDx
Classification: Uncertain significance. Last evaluated: 2025-07-03. Review status: criteria provided, single submitter. Criteria: GeneDx Variant Classification Process June 2021. Collection method: clinical testing. Allele origin: germline. Affected: yes.
Comment: In silico analysis suggests that this missense variant does not alter protein structure/function; Has not been previously published as pathogenic or benign to our knowledge

Ambry Genetics
Classification: Likely benign for Inborn genetic diseases. Last evaluated: 2022-02-18. Review status: criteria provided, single submitter. Criteria: Ambry Variant Classification Scheme 2023. Collection method: clinical testing. Allele origin: germline.

PreventionGenetics, part of Exact Sciences
Classification: Likely benign for DUOX2-related condition. Last evaluated: 2023-05-26. Review status: no assertion criteria provided. Collection method: clinical testing. Allele origin: germline. Not counted in ClinVar's aggregate classification.
Comment: This variant is classified as likely benign based on ACMG/AMP sequence variant interpretation guidelines (Richards et al. 2015 PMID: 25741868, with internal and published modifications).